The following is an entry in ClinVar:

NM_020987.5(ANK3):c.406C>T (p.Gln136Ter)

Gene: ANK3 (ankyrin 3; minus strand). Cytogenetic location: 10q21.2.
Variant type: single nucleotide variant.
Coding change: c.406C>T on transcript NM_020987.5 (MANE Select); coding-DNA position 406, C replaced by T.
Protein change: p.Gln136Ter; replaces glutamine 136 with a stop codon.
Molecular consequence: nonsense.
Genome position (GRCh38, 1-based): chr10:60,278,782, G>A on the plus strand (C>T on the coding strand, the complement: ANK3 is on the minus strand). VCF-style: chr10-60278782-G-A. GRCh37 (hg19) VCF-style: chr10-62038540-G-A.
Other names: c.388C>T, p.Gln130Ter (NM_001204403.2); c.355C>T, p.Gln119Ter (NM_001204404.2); c.406C>T, p.Gln136Ter (NM_001320874.2); short protein forms Q119*, Q130*, Q136*.
Identifiers: ClinVar variation 3342460 (VCV003342460.1).

ClinVar aggregate classification (germline): Uncertain significance (1 of 4 stars; one submission).

Submission:

GeneDx
Classification: Uncertain significance. Last evaluated: 2022-03-14. Review status: criteria provided, single submitter. Criteria: GeneDx Variant Classification Process June 2021. Collection method: clinical testing. Allele origin: germline. Affected: yes.
Comment: Not observed at significant frequency in large population cohorts (gnomAD); Nonsense variant predicted to result in protein truncation or nonsense mediated decay in a gene for which loss-of-function is not a known mechanism of disease; Has not been previously published as pathogenic or benign to our knowledge; Variants in candidate genes are classified as variants of uncertain significance in accordance with ACMG guidelines (Richards et al., 2015)